The following is an entry in ClinVar:

NM_182916.3(TRNT1):c.218_219insGAGGGATTTATTAAATTATAAATTTATTAAATGGATTTATTAAA (p.Val73_Lys74insArgAspLeuLeuAsnTyrLysPheIleLysTrpIleTyrTer)

Gene: TRNT1 (tRNA nucleotidyl transferase 1; plus strand). Cytogenetic location: 3p26.2.
Variant type: Insertion.
Coding change: c.218_219insGAGGGATTTATTAAATTATAAATTTATTAAATGGATTTATTAAA on transcript NM_182916.3 (MANE Select); coding-DNA positions 218 to 219, GAGGGATTTATTAAATTATAAATTTATTAAATGGATTTATTAAA inserted.
Protein change: p.Val73_Lys74insArgAspLeuLeuAsnTyrLysPheIleLysTrpIleTyrTer.
Molecular consequence: nonsense, inframe insertion. On other transcripts: non-coding transcript variant (8).
Genome position: GRCh38: chr3:3,137,329-3,137,330. GRCh37 (hg19): chr3:3,179,013-3,179,014.
Other names: c.218_219insGAGGGATTTATTAAATTATAAATTTATTAAATGGATTTATTAAA, p.Val73_Lys74insArgAspLeuLeuAsnTyrLysPheIleLysTrpIleTyrTer (NM_001302946.2, NM_001367321.1, NM_001367322.1 and 1 more transcripts); c.218_219insGAGGGATTTATTAAATTATAAATTTATTAAATGGATTTATTAAA (NM_182916.2).
Identifiers: ClinVar variation 1076642 (VCV001076642.8), dbSNP rs746154279, ClinGen allele CA2228581.

ClinVar aggregate classification (germline): Pathogenic/Likely pathogenic. Review status: criteria provided, multiple submitters, no conflicts (2 of 4 stars). 4 submissions from 4 submitters: Pathogenic (2); Likely pathogenic (2). Last evaluated 2024-12-12.

Conditions:
Congenital sideroblastic anemia-B-cell immunodeficiency-periodic fever-developmental delay syndrome. Also called: Sideroblastic anemia with B-cell immunodeficiency, periodic fevers, and developmental delay. Identifiers: Orphanet 369861, MedGen C4015172, MONDO:0014487, OMIM 616084.
TRNT1-related disorder. Also called: TRNT1-related disorders; TRNT1-related condition.

Allele frequency attached by ClinVar (database versions not stated): gnomAD 0.00001; gnomAD exomes 0.00002; ExAC 0.00005; 1000 Genomes Project 30x 0.00016.

Submissions (4):

Labcorp Genetics (formerly Invitae), Labcorp
Classification: Pathogenic for Congenital sideroblastic anemia-B-cell immunodeficiency-periodic fever-developmental delay syndrome. Last evaluated: 2024-12-12. Review status: criteria provided, single submitter. Criteria: Invitae Variant Classification Sherloc (09022015). Collection method: clinical testing. Allele origin: germline.
Comment: This sequence change creates a premature translational stop signal (p.Lys74Argfs*14) in the TRNT1 gene. It is expected to result in an absent or disrupted protein product. Loss-of-function variants in TRNT1 are known to be pathogenic (PMID: 25193871). This variant is present in population databases (rs746154279, gnomAD 0.005%). This variant has not been reported in the literature in individuals affected with TRNT1-related conditions. ClinVar contains an entry for this variant (Variation ID: 1076642). For these reasons, this variant has been classified as Pathogenic.

Department of Pathology and Laboratory Medicine, Sinai Health System
Classification: Likely pathogenic for Congenital sideroblastic anemia-B-cell immunodeficiency-periodic fever-developmental delay syndrome. Last evaluated: 2023-08-03. Review status: criteria provided, single submitter. Criteria: ACMG Guidelines, 2015. Collection method: research. Allele origin: germline.

Women's Health and Genetics/Laboratory Corporation of America, LabCorp
Classification: Pathogenic for TRNT1-Related Disorders. Last evaluated: 2023-08-02. Review status: criteria provided, single submitter. Criteria: LabCorp Variant Classification Summary - May 2015. Collection method: clinical testing. Allele origin: germline.
Comment: Variant summary: TRNT1 c.218_219ins44 (p.Lys74ArgfsX14) results in a premature termination codon, predicted to cause absence of the protein due to nonsense mediated decay, which is a commonly known mechanism for disease. The variant allele was found at a frequency of 2.4e-05 in 250858 control chromosomes (gnomAD). To our knowledge, no occurrence of c.218_219ins44 in individuals affected with TRNT1-Related Disorders and no experimental evidence demonstrating its impact on protein function have been reported. One submitter has cited a clinical-significance assessment for this variant to ClinVar after 2014 and has classified the variant as pathogenic. Based on the evidence outlined above, the variant was classified as pathogenic.

Blueprint Genetics
Classification: Likely pathogenic for TRNT1-related disorders. Last evaluated: 2021-01-27. Review status: criteria provided, single submitter. Criteria: ACMG Guidelines, 2015. Collection method: clinical testing. Allele origin: germline. Affected: yes. Observed: 2 variant alleles.

Literature cited by the submitters: PubMed 25193871 (cited by Labcorp Genetics (formerly Invitae), Labcorp).